The following is an entry in ClinVar:

ClinVar aggregate classification (germline): Uncertain significance. Review status: criteria provided, multiple submitters, no conflicts (2 of 4 stars). 2 submissions from 2 submitters: Uncertain significance (2). Last evaluated 2026-08-27.

Conditions:
Tuberous sclerosis 2 (TSC2). Identifiers: Orphanet 805, MedGen C1860707, MONDO:0013199, OMIM 613254.
Hereditary cancer-predisposing syndrome. Also called: Tumor predisposition; Hereditary Cancer Syndrome; Hereditary neoplastic syndrome; Neoplastic Syndromes, Hereditary. Identifiers: Orphanet 140162, MedGen C0027672, MeSH D009386, MONDO:0015356.

Submissions (2):

Ambry Genetics
Classification: Uncertain significance for Hereditary cancer-predisposing syndrome. Last evaluated: 2026-08-27. Review status: criteria provided, single submitter. Criteria: Ambry Variant Classification Scheme 2023. Collection method: clinical testing. Allele origin: germline.
Comment: The p.H1769Q variant (also known as c.5307C>G), located in coding exon 41 of the TSC2 gene, results from a C to G substitution at nucleotide position 5307. The histidine at codon 1769 is replaced by glutamine, an amino acid with highly similar properties. This amino acid position is conserved. In addition, the in silico prediction for this alteration is inconclusive. Based on the available evidence, the clinical significance of this variant remains unclear.

Labcorp Genetics (formerly Invitae), Labcorp
Classification: Uncertain significance for Tuberous sclerosis 2. Last evaluated: 2023-01-19. Review status: criteria provided, single submitter. Criteria: Invitae Variant Classification Sherloc (09022015). Collection method: clinical testing. Allele origin: germline.
Comment: This variant is not present in population databases (gnomAD no frequency). This variant has not been reported in the literature in individuals affected with TSC2-related conditions. ClinVar contains an entry for this variant (Variation ID: 1006099). Advanced modeling of protein sequence and biophysical properties (such as structural, functional, and spatial information, amino acid conservation, physicochemical variation, residue mobility, and thermodynamic stability) performed at Invitae indicates that this missense variant is not expected to disrupt TSC2 protein function. RNA analysis performed to evaluate the impact of this missense change on mRNA splicing indicates it does not significantly alter splicing (Invitae). In summary, the available evidence is currently insufficient to determine the role of this variant in disease. Therefore, it has been classified as a Variant of Uncertain Significance. This sequence change replaces histidine, which is basic and polar, with glutamine, which is neutral and polar, at codon 1769 of the TSC2 protein (p.His1769Gln).

NM_000548.5(TSC2):c.5307C>G (p.His1769Gln)

Gene: TSC2 (TSC complex subunit 2; plus strand). Cytogenetic location: 16p13.3.
Variant type: single nucleotide variant.
Coding change: c.5307C>G on transcript NM_000548.5 (MANE Select); coding-DNA position 5307, C replaced by G.
Protein change: p.His1769Gln; replaces histidine 1769 with glutamine.
Molecular consequence: missense variant.
Genome position (GRCh38, 1-based): chr16:2,088,493, C>G. VCF-style: chr16-2088493-C-G. GRCh37 (hg19) VCF-style: chr16-2138494-C-G.
Other names: c.5139C>G, p.His1713Gln (NM_001318832.2); c.5109C>G, p.His1703Gln (NM_001363528.2); c.5175C>G, p.His1725Gln (NM_001370404.1); c.5166C>G, p.His1722Gln (NM_001370405.1); c.5178C>G, p.His1726Gln (NM_021055.3); c.5106C>G, p.His1702Gln (NM_001077183.3); c.5238C>G, p.His1746Gln (NM_001114382.3); c.4998C>G, p.His1666Gln (NM_001318827.2); and 3 more; short protein forms H1525Q, H1654Q, H1666Q, H1702Q, H1703Q, H1713Q, H1722Q, H1725Q.
Identifiers: ClinVar variation 1006099 (VCV001006099.8), dbSNP rs562220073, ClinGen allele CA394315391.